The following is an entry in ClinVar:

ClinVar aggregate classification (germline): Uncertain significance. Review status: criteria provided, multiple submitters, no conflicts (2 of 4 stars). 6 submissions from 6 submitters: Uncertain significance (6). Last evaluated 2025-06-09.

Conditions:
Hereditary cancer-predisposing syndrome. Also called: Hereditary Cancer Syndrome; Neoplastic Syndromes, Hereditary; Tumor predisposition; Hereditary neoplastic syndrome. Identifiers: Orphanet 140162, MedGen C0027672, MeSH D009386, MONDO:0015356.
Hereditary diffuse gastric adenocarcinoma (HDGC). Also called: DIFFUSE GASTRIC AND LOBULAR BREAST CANCER SYNDROME. Identifiers: Orphanet 26106, MedGen C1708349, MONDO:0007648, OMIM 137215.
Familial cancer of breast. Also called: Hereditary breast cancer; hereditary breast carcinoma; BREAST CANCER, FAMILIAL. Identifiers: Orphanet 227535, MedGen C0346153, MONDO:0016419, OMIM 114480. Disease mechanism: loss of function.

gnomAD v4.1: 1 of 1,614,176 alleles (0.000062%); highest among the groups gnomAD compares: Non-Finnish European, 0.000085%; no homozygotes.

Submissions (6):

Labcorp Genetics (formerly Invitae), Labcorp
Classification: Uncertain significance for Hereditary diffuse gastric adenocarcinoma. Last evaluated: 2025-06-09. Review status: criteria provided, single submitter. Criteria: Invitae Variant Classification Sherloc (09022015). Collection method: clinical testing. Allele origin: germline.
Comment: This sequence change replaces alanine, which is neutral and non-polar, with valine, which is neutral and non-polar, at codon 778 of the CDH1 protein (p.Ala778Val). This variant is not present in population databases (gnomAD no frequency). This variant has not been reported in the literature in individuals affected with CDH1-related conditions. ClinVar contains an entry for this variant (Variation ID: 232727). An algorithm developed to predict the effect of missense changes on protein structure and function (PolyPhen-2) suggests that this variant is likely to be disruptive. In summary, the available evidence is currently insufficient to determine the role of this variant in disease. Therefore, it has been classified as a Variant of Uncertain Significance.

Baylor Genetics
Classification: Uncertain significance for Familial cancer of breast. Last evaluated: 2024-03-05. Review status: criteria provided, single submitter. Criteria: ACMG Guidelines, 2015. Collection method: clinical testing. Allele origin: unknown.

Ambry Genetics
Classification: Uncertain significance for Hereditary cancer-predisposing syndrome. Last evaluated: 2023-11-15. Review status: criteria provided, single submitter. Criteria: Ambry Variant Classification Scheme 2023. Collection method: clinical testing. Allele origin: germline.
Comment: The p.A778V variant (also known as c.2333C>T), located in coding exon 15 of the CDH1 gene, results from a C to T substitution at nucleotide position 2333. The alanine at codon 778 is replaced by valine, an amino acid with similar properties. This amino acid position is well conserved in available vertebrate species. In addition, the in silico prediction for this alteration is inconclusive. Since supporting evidence is limited at this time, the clinical significance of this alteration remains unclear.

GeneDx
Classification: Uncertain significance. Last evaluated: 2023-04-26. Review status: criteria provided, single submitter. Criteria: GeneDx Variant Classification Process June 2021. Collection method: clinical testing. Allele origin: germline. Affected: yes.
Comment: Not observed at significant frequency in large population cohorts (gnomAD); In silico analysis supports that this missense variant does not alter protein structure/function; Has not been previously published as pathogenic or benign to our knowledge; This variant is associated with the following publications: (PMID: 15235021, 22850631)

Women's Health and Genetics/Laboratory Corporation of America, LabCorp
Classification: Uncertain significance. Last evaluated: 2023-01-06. Review status: criteria provided, single submitter. Criteria: LabCorp Variant Classification Summary - May 2015. Collection method: clinical testing. Allele origin: germline.

Color Diagnostics, LLC DBA Color Health
Classification: Uncertain significance for Hereditary cancer-predisposing syndrome. Last evaluated: 2021-06-14. Review status: criteria provided, single submitter. Criteria: ACMG Guidelines, 2015. Collection method: clinical testing. Allele origin: germline.
Comment: This missense variant replaces alanine with valine at codon 778 of the CDH1 protein. To our knowledge, functional studies have not been reported for this variant. This variant has not been reported in individuals affected with hereditary cancer in the literature. This variant has not been identified in the general population by the Genome Aggregation Database (gnomAD). The available evidence is insufficient to determine the role of this variant in disease conclusively. Therefore, this variant is classified as a Variant of Uncertain Significance.

NM_004360.5(CDH1):c.2333C>T (p.Ala778Val)

Gene: CDH1 (cadherin 1; plus strand). Cytogenetic location: 16q22.1.
Variant type: single nucleotide variant.
Coding change: c.2333C>T on transcript NM_004360.5 (MANE Select); coding-DNA position 2333, C replaced by T.
Protein change: p.Ala778Val; replaces alanine 778 with valine.
Molecular consequence: missense variant.
Genome position (GRCh38, 1-based): chr16:68,829,691, C>T. VCF-style: chr16-68829691-C-T. GRCh37 (hg19) VCF-style: chr16-68863594-C-T.
Other names: c.2333C>T (LRG_301t1); c.2150C>T, p.Ala717Val (NM_001317184.2); c.785C>T, p.Ala262Val (NM_001317185.2); c.368C>T, p.Ala123Val (NM_001317186.2); short protein forms A778V, A123V, A717V, A262V.
Identifiers: ClinVar variation 232727 (VCV000232727.18), dbSNP rs876659951, ClinGen allele CA10580158.